The following is an entry in ClinVar:

ClinVar aggregate classification (germline): Uncertain significance. Review status: criteria provided, multiple submitters, no conflicts (2 of 4 stars). 5 submissions from 4 submitters: Uncertain significance (4). 1 of the submissions does not count toward it. Last evaluated 2022-05-17.

Conditions:
Hyperinsulinemic hypoglycemia, familial, 1 (HHF1). Also called: NESIDIOBLASTOSIS OF PANCREAS; HYPERINSULINISM, FAMILIAL, WITH PANCREATIC NESIDIOBLASTOSIS; HYPOGLYCEMIA, HYPERINSULINEMIC, OF INFANCY; Persistent Hyperinsulinemia Hypoglycemia of Infancy; Persistent hyperinsulinemic hypoglycemia of infancy. Identifiers: Orphanet 276575, Orphanet 276598, MedGen C2931832, MONDO:0009734, OMIM 256450.
Diabetes mellitus, permanent neonatal 3. Also called: ABCC8-Related Permanent Neonatal Diabetes Mellitus. Identifiers: MedGen C5394303, MONDO:0030088, OMIM 618857.
Diabetes mellitus, transient neonatal, 2 (TNDM2). Identifiers: Orphanet 99886, MedGen C1835887, MONDO:0012480, OMIM 610374. Disease mechanism: loss of function.
Type 2 diabetes mellitus. Also called: Type II diabetes mellitus. Identifiers: MedGen C0011860, MeSH D003924, MONDO:0005148, OMIM 125853, HP:0005978.
Leucine-induced hypoglycemia (LIH). Also called: LEUCINE-SENSITIVE HYPOGLYCEMIA OF INFANCY. Identifiers: MedGen C0271714, MONDO:0009415, OMIM 240800.
Hereditary hyperinsulinism.
Transitory neonatal diabetes mellitus. Also called: Transient neonatal diabetes mellitus. Identifiers: MedGen C0342273, MONDO:0020525, HP:0008255.
Maturity-onset diabetes of the young (MODY). Also called: Maturity onset diabetes mellitus in young. Identifiers: Orphanet 552, MedGen C0342276, MONDO:0018911, HP:0004904.

Allele frequency attached by ClinVar (database versions not stated): TOPMed below 0.00001; gnomAD 0.00001; gnomAD exomes 0.00001 and 0.00002; ExAC 0.00005.
gnomAD v4.1: 32 of 1,557,102 alleles (0.0021%); highest among the groups gnomAD compares: East Asian, 0.0072%; no homozygotes.

Submissions (5):

Fulgent Genetics
Classification: Uncertain significance for Type 2 diabetes mellitus; Leucine-induced hypoglycemia; Hyperinsulinemic hypoglycemia, familial, 1; Diabetes mellitus, transient neonatal, 2; Diabetes mellitus, permanent neonatal 3. Last evaluated: 2022-05-17. Review status: criteria provided, single submitter. Criteria: ACMG Guidelines, 2015. Collection method: clinical testing. Allele origin: unknown.

Blueprint Genetics
Classification: Uncertain significance. Last evaluated: 2022-04-26. Review status: criteria provided, single submitter. Criteria: ACMG Guidelines, 2015. Collection method: clinical testing. Allele origin: germline.

Clinical Genomics, Uppaluri K&H Personalized Medicine Clinic
Classification: Uncertain significance for Maturity-onset diabetes of the young. Review status: criteria provided, single submitter. Criteria: K & H Uppaluri Personalized Medicine Clinic Variant Classification & Assertion Criteria_Updated V.1. Collection method: research. Allele origin: somatic. Inheritance: Somatic mutation.
Comment: Mutations in ABCC8 gene are associated with both neonatal diabetes mellitus as well as MODY. Patients with this mutation may have a better response to sulfonylureas. However, no sufficient evidence is found to ascertain the role of this particular variant ( rs755577144) in MODY yet.

Clinical Genomics, Uppaluri K&H Personalized Medicine Clinic
Classification: Uncertain significance for Transitory neonatal diabetes mellitus. Review status: criteria provided, single submitter. Criteria: K & H Uppaluri Personalized Medicine Clinic Variant Classification & Assertion Criteria_Updated V.1. Collection method: research. Allele origin: somatic. Inheritance: Somatic mutation.
Comment: Mutations in ABCC8 gene are associated with both neonatal diabetes mellitus as well as MODY. Patients with this mutation may have a better response to sulfonylureas. However, no sufficient evidence is found to ascertain the role of this particular variant ( rs755577144 ) in neonatal diabetes yet.

Natera, Inc.
Classification: Uncertain significance for Hereditary hyperinsulinism. Last evaluated: 2020-04-10. Review status: no assertion criteria provided. Collection method: clinical testing. Allele origin: germline. Not counted in ClinVar's aggregate classification.

Literature cited by the submitters: PubMed 16885549 (cited by Clinical Genomics, Uppaluri K&H Personalized Medicine Clinic); PubMed 21989597 (cited by Clinical Genomics, Uppaluri K&H Personalized Medicine Clinic); PubMed 27538677 (cited by Clinical Genomics, Uppaluri K&H Personalized Medicine Clinic); PubMed 18981553 (cited by Clinical Genomics, Uppaluri K&H Personalized Medicine Clinic); PubMed 32027066 (cited by Clinical Genomics, Uppaluri K&H Personalized Medicine Clinic); PubMed 16613899 (cited by Clinical Genomics, Uppaluri K&H Personalized Medicine Clinic); PubMed 18025408 (cited by Clinical Genomics, Uppaluri K&H Personalized Medicine Clinic); PubMed 32792356 (cited by Clinical Genomics, Uppaluri K&H Personalized Medicine Clinic).

NM_000352.6(ABCC8):c.4285G>A (p.Val1429Ile)

Gene: ABCC8 (ATP binding cassette subfamily C member 8; minus strand). Cytogenetic location: 11p15.1.
Variant type: single nucleotide variant.
Coding change: c.4285G>A on transcript NM_000352.6 (MANE Select); coding-DNA position 4285, G replaced by A.
Protein change: p.Val1429Ile; replaces valine 1429 with isoleucine.
Molecular consequence: missense variant. On other transcripts: non-coding transcript variant (1).
Genome position (GRCh38, 1-based): chr11:17,395,632, C>T on the plus strand (G>A on the coding strand, the complement: ABCC8 is on the minus strand). VCF-style: chr11-17395632-C-T. GRCh37 (hg19) VCF-style: chr11-17417179-C-T.
Other names: c.4288G>A, p.Val1430Ile (NM_001287174.3); c.4351G>A, p.Val1451Ile (NM_001351295.2); c.4285G>A, p.Val1429Ile (NM_001351296.2); c.4282G>A, p.Val1428Ile (NM_001351297.2); short protein forms V1428I, V1429I, V1430I, V1451I.
Identifiers: ClinVar variation 989953 (VCV000989953.4), dbSNP rs755577144, ClinGen allele CA5902521.